The following is an entry in ClinVar:

NM_000090.4(COL3A1):c.1815+18A>G

Gene: COL3A1 (collagen type III alpha 1 chain; plus strand). Cytogenetic location: 2q32.2.
Variant type: single nucleotide variant.
Coding change: c.1815+18A>G on transcript NM_000090.4 (MANE Select); 18 bases into the intron after coding-DNA position 1815, A replaced by G.
Molecular consequence: intron variant.
Genome position (GRCh38, 1-based): chr2:188,997,236, A>G. VCF-style: chr2-188997236-A-G. GRCh37 (hg19) VCF-style: chr2-189861962-A-G.
Identifiers: ClinVar variation 136846 (VCV000136846.27), dbSNP rs28413125, ClinGen allele CA004560.

ClinVar aggregate classification (germline): Benign. Review status: criteria provided, multiple submitters, no conflicts (2 of 4 stars). 6 submissions from 6 submitters: Benign (6). Last evaluated 2026-02-04.

Conditions:
Ehlers-Danlos syndrome, type 4 (EDSVASC). Also called: Ehlers-Danlos syndrome vascular type; Ehlers Danlos syndrome, ecchymotic type; Ehlers Danlos syndrome, arterial type; Ehlers Danlos syndrome, Sack-Barabas type; Ehlers-Danlos Syndrome Type IV. Identifiers: Orphanet 286, MedGen C0268338, MONDO:0017314, OMIM 130050.

Allele frequency attached by ClinVar (database versions not stated): gnomAD exomes 0.01261 and 0.03108; ExAC 0.03608; gnomAD 0.07687 and 0.08030; ESP Exome Variant Server 0.08204; TOPMed 0.08686; 1000 Genomes Project 0.11122; 1000 Genomes Project 30x 0.11415.
gnomAD v4.1: 30,889 of 1,613,690 alleles (1.9%); highest among the groups gnomAD compares: African/African-American, 25%; 2,581 homozygotes.

Submissions (6):

Labcorp Genetics (formerly Invitae), Labcorp
Classification: Benign for Ehlers-Danlos syndrome, type 4. Last evaluated: 2026-02-04. Review status: criteria provided, single submitter. Criteria: Invitae Variant Classification Sherloc (09022015). Collection method: clinical testing. Allele origin: germline.

ARUP Laboratories, Molecular Genetics and Genomics, ARUP Laboratories
Classification: Benign. Last evaluated: 2025-06-25. Review status: criteria provided, single submitter. Criteria: ARUP Molecular Germline Variant Investigation Process 2024. Collection method: clinical testing. Allele origin: germline.

Blueprint Genetics
Classification: Benign. Last evaluated: 2024-11-26. Review status: criteria provided, single submitter. Criteria: ACMG Guidelines, 2015. Collection method: clinical testing. Allele origin: germline.

GeneDx
Classification: Benign. Last evaluated: 2012-10-13. Review status: criteria provided, single submitter. Criteria: GeneDx Variant Classification (06012015). Collection method: clinical testing. Allele origin: germline. Affected: yes.
Comment: This variant is considered likely benign or benign based on one or more of the following criteria: it is a conservative change, it occurs at a poorly conserved position in the protein, it is predicted to be benign by multiple in silico algorithms, and/or has population frequency not consistent with disease.

Breakthrough Genomics
Classification: Benign. Review status: criteria provided, single submitter. Criteria: ACMG Guidelines, 2015. Collection method: not provided. Allele origin: germline. Inheritance: Autosomal recessive inheritance. Affected: yes.

PreventionGenetics, part of Exact Sciences
Classification: Benign. Review status: criteria provided, single submitter. Criteria: ACMG Guidelines, 2015. Collection method: clinical testing. Allele origin: germline.